The following is an entry in ClinVar:

NM_025132.4(WDR19):c.3967G>A (p.Ala1323Thr)

Gene: WDR19 (WD repeat domain 19; plus strand). Cytogenetic location: 4p14.
Variant type: single nucleotide variant.
Coding change: c.3967G>A on transcript NM_025132.4 (MANE Select); coding-DNA position 3967, G replaced by A.
Protein change: p.Ala1323Thr; replaces alanine 1323 with threonine.
Molecular consequence: missense variant.
Genome position (GRCh38, 1-based): chr4:39,278,588, G>A. VCF-style: chr4-39278588-G-A. GRCh37 (hg19) VCF-style: chr4-39280208-G-A.
Other names: c.3487G>A, p.Ala1163Thr (NM_001317924.2); short protein forms A1163T, A1323T.
Identifiers: ClinVar variation 1000478 (VCV001000478.9), dbSNP rs563367049, ClinGen allele CA2892544.
Genomic context (GRCh38, chr4:39,278,588, plus strand): 5'-CCCCTAAACAGCATGCTAAACACTGAAAGCACATGTCCTATGTGTTCAGAAAGATTAAAC[G>A]CTGCTCAGCTGAAAAAGATTTCAGACTGTACCCAGTACCTGCGAACGGAGGAGGAACTGT-3'
Protein context (NP_079408.3, residues 1313-1333): TCPMCSERLN[Ala1323Thr]AQLKKISDCT

ClinVar aggregate classification (germline): Uncertain significance. Review status: criteria provided, multiple submitters, no conflicts (2 of 4 stars). 2 submissions from 2 submitters: Uncertain significance (2). Last evaluated 2024-04-24.

Conditions:
Spermatogenic failure 72 (SPGF72). Identifiers: MedGen C5676980, MONDO:0030809, OMIM 619867.
Senior-Loken syndrome 8 (SLSN8). Identifiers: Orphanet 3156, MedGen C4225376, MONDO:0014579, OMIM 616307.
Asphyxiating thoracic dystrophy 5 (SRTD5). Also called: SHORT-RIB THORACIC DYSPLASIA 5 WITH OR WITHOUT POLYDACTYLY; SHORT-RIB THORACIC DYSPLASIA 5 WITHOUT POLYDACTYLY. Identifiers: Orphanet 474, MedGen C3280598, MONDO:0013717, OMIM 614376.
Nephronophthisis 13 (NPHP13). Identifiers: Orphanet 655, MedGen C3280612, MONDO:0013718, OMIM 614377.
Cranioectodermal dysplasia 4 (CED4). Identifiers: Orphanet 1515, MedGen C3280616, MONDO:0013719, OMIM 614378.

Allele frequency attached by ClinVar (database versions not stated): ExAC 0.00001; gnomAD exomes 0.00002; TOPMed 0.00006; gnomAD 0.00009; 1000 Genomes Project 30x 0.00016; 1000 Genomes Project 0.00020.
gnomAD v4.1: 45 of 1,613,464 alleles (0.0028%); highest among the groups gnomAD compares: African/African-American, 0.021%; no homozygotes.

Submissions (2):

Fulgent Genetics
Classification: Uncertain significance for Asphyxiating thoracic dystrophy 5; Nephronophthisis 13; Cranioectodermal dysplasia 4; Senior-Loken syndrome 8; Spermatogenic failure 72. Last evaluated: 2024-04-24. Review status: criteria provided, single submitter. Criteria: ACMG Guidelines, 2015. Collection method: clinical testing. Allele origin: germline.

Labcorp Genetics (formerly Invitae), Labcorp
Classification: Uncertain significance for Senior-Loken syndrome 8; Asphyxiating thoracic dystrophy 5. Last evaluated: 2023-08-30. Review status: criteria provided, single submitter. Criteria: Invitae Variant Classification Sherloc (09022015). Collection method: clinical testing. Allele origin: germline.
Comment: This sequence change replaces alanine, which is neutral and non-polar, with threonine, which is neutral and polar, at codon 1323 of the WDR19 protein (p.Ala1323Thr). This variant is present in population databases (rs563367049, gnomAD 0.02%). This variant has not been reported in the literature in individuals affected with WDR19-related conditions. ClinVar contains an entry for this variant (Variation ID: 1000478). Advanced modeling of protein sequence and biophysical properties (such as structural, functional, and spatial information, amino acid conservation, physicochemical variation, residue mobility, and thermodynamic stability) performed at Invitae indicates that this missense variant is not expected to disrupt WDR19 protein function. In summary, the available evidence is currently insufficient to determine the role of this variant in disease. Therefore, it has been classified as a Variant of Uncertain Significance.